The following is an entry in ClinVar:

NM_206933.4(USH2A):c.1572C>T (p.Ala524=)

Gene: USH2A (usherin; minus strand). Cytogenetic location: 1q41.
Variant type: single nucleotide variant.
Coding change: c.1572C>T on transcript NM_206933.4 (MANE Select); coding-DNA position 1572, C replaced by T.
Protein change: p.Ala524=; no amino-acid change (alanine 524 retained).
Molecular consequence: synonymous variant.
Genome position (GRCh38, 1-based): chr1:216,321,955, G>A on the plus strand (C>T on the coding strand, the complement: USH2A is on the minus strand). VCF-style: chr1-216321955-G-A. GRCh37 (hg19) VCF-style: chr1-216495297-G-A.
Other names: c.1572C>T, p.Ala524= (NM_007123.6); c.1572C>T (NM_206933.2).
Identifiers: ClinVar variation 1084926 (VCV001084926.12), dbSNP rs748943923, ClinGen allele CA1396468.

ClinVar aggregate classification (germline): Likely benign. Review status: criteria provided, multiple submitters, no conflicts (2 of 4 stars). 4 submissions from 4 submitters: Likely benign (4). Last evaluated 2025-03-25.

Conditions:
Retinal dystrophy. Also called: Inherited retinal dystrophy. Identifiers: Orphanet 71862, MedGen C0854723, MeSH D058499, MONDO:0019118, HP:0000556.
USH2A-related disorder. Also called: USH2A-related disorders; USH2A-related condition. Identifiers: MedGen CN239332.

Allele frequency attached by ClinVar (database versions not stated): gnomAD exomes below 0.00001; ExAC 0.00001; TOPMed 0.00001; gnomAD 0.00002 and 0.00003; 1000 Genomes Project 30x 0.00016.
gnomAD v4.1: 15 of 1,613,656 alleles (0.00093%); highest among the groups gnomAD compares: East Asian, 0.0045%; no homozygotes.

Submissions (4):

PreventionGenetics, part of Exact Sciences
Classification: Likely benign for USH2A-related condition. Last evaluated: 2025-03-25. Review status: criteria provided, single submitter. Criteria: ACMG Guidelines, 2015. Collection method: clinical testing. Allele origin: germline.
Comment: This variant is classified as likely benign based on ACMG/AMP sequence variant interpretation guidelines (Richards et al. 2015 PMID: 25741868, with internal and published modifications).

Labcorp Genetics (formerly Invitae), Labcorp
Classification: Likely benign. Last evaluated: 2024-01-20. Review status: criteria provided, single submitter. Criteria: Invitae Variant Classification Sherloc (09022015). Collection method: clinical testing. Allele origin: germline.

Dept Of Ophthalmology, Nagoya University
Classification: Likely benign for Retinal dystrophy. Last evaluated: 2023-10-01. Review status: criteria provided, single submitter. Criteria: Submitter's publication. Collection method: research. Allele origin: germline. Affected: yes.

Blueprint Genetics
Classification: Likely benign. Last evaluated: 2023-06-09. Review status: criteria provided, single submitter. Criteria: ACMG Guidelines, 2015. Collection method: clinical testing. Allele origin: germline.